The following is an entry in ClinVar:

NM_199420.4(POLQ):c.1971G>C (p.Met657Ile)

Gene: POLQ (DNA polymerase theta; minus strand). Cytogenetic location: 3q13.33.
Variant type: single nucleotide variant.
Coding change: c.1971G>C on transcript NM_199420.4 (MANE Select); coding-DNA position 1971, G replaced by C.
Protein change: p.Met657Ile; replaces methionine 657 with isoleucine.
Molecular consequence: missense variant.
Genome position (GRCh38, 1-based): chr3:121,498,659, C>G on the plus strand (G>C on the coding strand, the complement: POLQ is on the minus strand). VCF-style: chr3-121498659-C-G. GRCh37 (hg19) VCF-style: chr3-121217506-C-G.
Other names: short protein forms M657I.
Identifiers: ClinVar variation 1783633 (VCV001783633.3), dbSNP rs1279293219, ClinGen allele CA354111094.

ClinVar aggregate classification (germline): Uncertain significance (1 of 4 stars; one submission).

Allele frequency attached by ClinVar (database versions not stated): TOPMed below 0.00001; gnomAD 0.00001; gnomAD exomes 0.00001.
gnomAD v4.1: 10 of 1,609,588 alleles (0.00062%); highest among the groups gnomAD compares: Non-Finnish European, 0.00085%; no homozygotes.

Submission:

Ambry Genetics
Classification: Uncertain significance. Last evaluated: 2024-09-16. Review status: criteria provided, single submitter. Criteria: Ambry Variant Classification Scheme 2023. Collection method: clinical testing. Allele origin: germline.
Comment: The p.M657I variant (also known as c.1971G>C), located in coding exon 13 of the POLQ gene, results from a G to C substitution at nucleotide position 1971. The methionine at codon 657 is replaced by isoleucine, an amino acid with highly similar properties. This amino acid position is conserved. In addition, this alteration is predicted to be tolerated by in silico analysis. Since supporting evidence is limited at this time, the clinical significance of this alteration remains unclear.